The following is an entry in ClinVar:

NM_002691.4(POLD1):c.426C>T (p.His142=)

Gene: POLD1 (DNA polymerase delta 1, catalytic subunit; plus strand). Cytogenetic location: 19q13.33.
Variant type: single nucleotide variant.
Coding change: c.426C>T on transcript NM_002691.4 (MANE Select); coding-DNA position 426, C replaced by T.
Protein change: p.His142=; no amino-acid change (histidine 142 retained).
Molecular consequence: synonymous variant. On other transcripts: non-coding transcript variant (1).
Genome position (GRCh38, 1-based): chr19:50,401,887, C>T. VCF-style: chr19-50401887-C-T. GRCh37 (hg19) VCF-style: chr19-50905144-C-T.
Other names: c.426C>T, p.His142= (NM_001256849.1, NM_001308632.1).
Identifiers: ClinVar variation 515332 (VCV000515332.15), dbSNP rs201187429, ClinGen allele CA9595727.

ClinVar aggregate classification (germline): Likely benign. Review status: criteria provided, multiple submitters, no conflicts (2 of 4 stars). 4 submissions from 4 submitters: Likely benign (4). Last evaluated 2025-12-08.

Conditions:
POLD1-related polyposis and colorectal cancer syndrome (CRCS10). Also called: Colorectal cancer 10; COLORECTAL CANCER, SUSCEPTIBILITY TO, ON CHROMOSOME 19q; Colorectal cancer, susceptibility to, 10. Identifiers: Orphanet 220460, MedGen C2675481, MONDO:0012953, OMIM 612591.
Hereditary cancer-predisposing syndrome. Also called: Tumor predisposition; Hereditary Cancer Syndrome; Hereditary neoplastic syndrome; Neoplastic Syndromes, Hereditary. Identifiers: Orphanet 140162, MedGen C0027672, MeSH D009386, MONDO:0015356.

Allele frequency attached by ClinVar (database versions not stated): TOPMed 0.00001.
gnomAD v4.1: 38 of 1,614,062 alleles (0.0024%); highest among the groups gnomAD compares: Non-Finnish European, 0.0029%; no homozygotes.

Submissions (4):

Labcorp Genetics (formerly Invitae), Labcorp
Classification: Likely benign for POLD1-related polyposis and colorectal cancer syndrome. Last evaluated: 2025-12-08. Review status: criteria provided, single submitter. Criteria: Invitae Variant Classification Sherloc (09022015). Collection method: clinical testing. Allele origin: germline.

Center for Genomic Medicine, Rigshospitalet, Copenhagen University Hospital
Classification: Likely benign. Last evaluated: 2025-03-04. Review status: criteria provided, single submitter. Criteria: ACMG Guidelines, 2015. Collection method: clinical testing. Allele origin: germline.
Comment: Classification criteria: BP4, BP7

Ambry Genetics
Classification: Likely benign for Hereditary cancer-predisposing syndrome. Last evaluated: 2019-09-30. Review status: criteria provided, single submitter. Criteria: Ambry Variant Classification Scheme 2023. Collection method: clinical testing. Allele origin: germline.

GeneDx
Classification: Likely benign. Last evaluated: 2018-02-02. Review status: criteria provided, single submitter. Criteria: GeneDx Variant Classification (06012015). Collection method: clinical testing. Allele origin: germline. Affected: yes.
Comment: This variant is considered likely benign or benign based on one or more of the following criteria: it is a conservative change, it occurs at a poorly conserved position in the protein, it is predicted to be benign by multiple in silico algorithms, and/or has population frequency not consistent with disease.